The following is an entry in ClinVar:

NM_001303256.3(MORC2):c.918G>A (p.Ala306=)

Gene: MORC2 (MORC family CW-type zinc finger 2; minus strand). Cytogenetic location: 22q12.2.
Variant type: single nucleotide variant.
Coding change: c.918G>A on transcript NM_001303256.3 (MANE Select); coding-DNA position 918, G replaced by A.
Protein change: p.Ala306=; no amino-acid change (alanine 306 retained).
Molecular consequence: synonymous variant.
Genome position (GRCh38, 1-based): chr22:30,940,028, C>T on the plus strand (G>A on the coding strand, the complement: MORC2 is on the minus strand). VCF-style: chr22-30940028-C-T. GRCh37 (hg19) VCF-style: chr22-31336015-C-T.
Other names: c.918G>A, p.Ala306= (NM_001303257.2); c.732G>A, p.Ala244= (NM_014941.3); c.918G>A (NM_001303256.2).
Identifiers: ClinVar variation 1617037 (VCV001617037.11), dbSNP rs777693312, ClinGen allele CA10187104.
Genomic context (GRCh38, chr22:30,940,028, plus strand): 5'-CCGCGTGAGGTCTCCACCTAGGCGTACTTCTAATGTCCGAGCTTTGCTCTCTGCCTCCCG[C>T]GCCTTCTCTTCAGCTGAAACCCAGAAGAGAACATGGTAAGAAATGCAAAGGTTCAAAACT-3'
Protein context (NP_001290185.1, residues 296-316): EHVARIAEEK[Ala306=]REAESKARTL

ClinVar aggregate classification (germline): Likely benign. Review status: criteria provided, multiple submitters, no conflicts (2 of 4 stars). 3 submissions from 3 submitters: Likely benign (2). 1 of the submissions does not count toward it. Last evaluated 2024-11-28.

Conditions:
MORC2-related disorder. Also called: MORC2-related condition.
Charcot-Marie-Tooth disease axonal type 2Z. Also called: CHARCOT-MARIE-TOOTH DISEASE, AXONAL, AUTOSOMAL DOMINANT, TYPE 2Z; CHARCOT-MARIE-TOOTH NEUROPATHY, TYPE 2Z. Identifiers: Orphanet 466768, MedGen C5569025, MONDO:0014736, OMIM 616688.

Allele frequency attached by ClinVar (database versions not stated): gnomAD 0.00005 and 0.00007; gnomAD exomes 0.00006 and 0.00007; ExAC 0.00007; TOPMed 0.00008.
gnomAD v4.1: 113 of 1,613,622 alleles (0.007%); highest among the groups gnomAD compares: East Asian, 0.16%; no homozygotes.

Submissions (3):

Blueprint Genetics
Classification: Likely benign. Last evaluated: 2024-11-28. Review status: criteria provided, single submitter. Criteria: ACMG Guidelines, 2015. Collection method: clinical testing. Allele origin: germline.

Labcorp Genetics (formerly Invitae), Labcorp
Classification: Likely benign for Charcot-Marie-Tooth disease axonal type 2Z. Last evaluated: 2024-04-22. Review status: criteria provided, single submitter. Criteria: Invitae Variant Classification Sherloc (09022015). Collection method: clinical testing. Allele origin: germline.

PreventionGenetics, part of Exact Sciences
Classification: Likely benign for MORC2-related condition. Last evaluated: 2019-04-29. Review status: no assertion criteria provided. Collection method: clinical testing. Allele origin: germline. Not counted in ClinVar's aggregate classification.
Comment: This variant is classified as likely benign based on ACMG/AMP sequence variant interpretation guidelines (Richards et al. 2015 PMID: 25741868, with internal and published modifications).